The following is an entry in ClinVar:

ClinVar aggregate classification (germline): Uncertain significance (1 of 4 stars; one submission).

Conditions:
Hereditary cancer-predisposing syndrome. Also called: Hereditary Cancer Syndrome; Hereditary neoplastic syndrome; Neoplastic Syndromes, Hereditary; Tumor predisposition. Identifiers: Orphanet 140162, MedGen C0027672, MeSH D009386, MONDO:0015356.

Submission:

Ambry Genetics
Classification: Uncertain significance for Hereditary cancer-predisposing syndrome. Last evaluated: 2025-06-08. Review status: criteria provided, single submitter. Criteria: Ambry Variant Classification Scheme 2023. Collection method: clinical testing. Allele origin: germline.
Comment: The p.T1633P variant (also known as c.4897A>C), located in coding exon 15 of the APC gene, results from an A to C substitution at nucleotide position 4897. The threonine at codon 1633 is replaced by proline, an amino acid with highly similar properties. This amino acid position is conserved. In addition, in silico predictors for this gene do not accurately predict pathogenicity. Based on the available evidence, the clinical significance of this variant remains unclear.

NM_000038.6(APC):c.4897A>C (p.Thr1633Pro)

Gene: APC (APC regulator of Wnt signaling pathway; plus strand). Cytogenetic location: 5q22.2.
Variant type: single nucleotide variant.
Coding change: c.4897A>C on transcript NM_000038.6 (MANE Select); coding-DNA position 4897, A replaced by C.
Protein change: p.Thr1633Pro; replaces threonine 1633 with proline.
Molecular consequence: missense variant. On other transcripts: non-coding transcript variant (2).
Genome position (GRCh38, 1-based): chr5:112,840,491, A>C. VCF-style: chr5-112840491-A-C. GRCh37 (hg19) VCF-style: chr5-112176188-A-C.
Other names: c.4897A>C, p.Thr1633Pro (NM_001127510.3, NM_001354895.2, NM_001407450.1); c.4843A>C, p.Thr1615Pro (NM_001127511.3); c.4951A>C, p.Thr1651Pro (NM_001354896.2, NM_001407447.1, NM_001407448.1 and 1 more transcripts); c.4927A>C, p.Thr1643Pro (NM_001354897.2); c.4822A>C, p.Thr1608Pro (NM_001354898.2); c.4813A>C, p.Thr1605Pro (NM_001354899.2); c.4774A>C, p.Thr1592Pro (NM_001354900.2); c.4720A>C, p.Thr1574Pro (NM_001354901.2, NM_001407453.1); and 11 more; short protein forms T1473P, T1504P, T1532P, T1615P, T1623P, T1633P, T1542P, T1550P.
Identifiers: ClinVar variation 3929967 (VCV003929967.1).